The following is an entry in ClinVar:

ClinVar aggregate classification (germline): Uncertain significance (1 of 4 stars; one submission).

Conditions:
Nemaline myopathy 2 (NEM2). Also called: Nemaline myopathy 2, autosomal recessive. Identifiers: MedGen C1850569, MONDO:0009725, OMIM 256030.

Submission:

Labcorp Genetics (formerly Invitae), Labcorp
Classification: Uncertain significance for Nemaline myopathy 2. Last evaluated: 2022-01-10. Review status: criteria provided, single submitter. Criteria: Invitae Variant Classification Sherloc (09022015). Collection method: clinical testing. Allele origin: germline.
Comment: This sequence change replaces histidine, which is basic and polar, with tyrosine, which is neutral and polar, at codon 3290 of the NEB protein (p.His3290Tyr). This variant is not present in population databases (gnomAD no frequency). This variant has not been reported in the literature in individuals affected with NEB-related conditions. Algorithms developed to predict the effect of missense changes on protein structure and function are either unavailable or do not agree on the potential impact of this missense change (SIFT: "Deleterious"; PolyPhen-2: "Not Available"; Align-GVGD: "Class C0"). In summary, the available evidence is currently insufficient to determine the role of this variant in disease. Therefore, it has been classified as a Variant of Uncertain Significance.

NM_001164508.2(NEB):c.9868C>T (p.His3290Tyr)

Gene: NEB (nebulin; minus strand). Cytogenetic location: 2q23.3.
Variant type: single nucleotide variant.
Coding change: c.9868C>T on transcript NM_001164508.2 (MANE Select); coding-DNA position 9868, C replaced by T.
Protein change: p.His3290Tyr; replaces histidine 3290 with tyrosine.
Molecular consequence: missense variant.
Genome position (GRCh38, 1-based): chr2:151,627,798, G>A on the plus strand (C>T on the coding strand, the complement: NEB is on the minus strand). VCF-style: chr2-151627798-G-A. GRCh37 (hg19) VCF-style: chr2-152484312-G-A.
Other names: c.9868C>T, p.His3290Tyr (NM_001164507.2, NM_001271208.2); c.9139C>T, p.His3047Tyr (NM_004543.5); short protein forms H3290Y, H3047Y.
Identifiers: ClinVar variation 2078135 (VCV002078135.1), dbSNP rs2552236745, ClinGen allele CA348796185.
Genomic context (GRCh38, chr2:151,627,798, plus strand): 5'-CCACATGCATGGACCACATCATCTTGGGGTCATCTTCAATGTTCCGGGCTCCAATGTGGT[G>A]GCCGAGCTGCTTGCGGTAACCATCTTTGTATTTGTACTGAAATAAAGGTGGTCATTTCAA-3'
Protein context (NP_001157980.2, residues 3280-3300): YKDGYRKQLG[His3290Tyr]HIGARNIEDD